The following is an entry in ClinVar:

NM_000135.4(FANCA):c.3202A>G (p.Ser1068Gly)

Gene: FANCA (FA complementation group A; minus strand). Cytogenetic location: 16q24.3.
Variant type: single nucleotide variant.
Coding change: c.3202A>G on transcript NM_000135.4 (MANE Select); coding-DNA position 3202, A replaced by G.
Protein change: p.Ser1068Gly; replaces serine 1068 with glycine.
Molecular consequence: missense variant.
Genome position (GRCh38, 1-based): chr16:89,749,767, T>C on the plus strand (A>G on the coding strand, the complement: FANCA is on the minus strand). VCF-style: chr16-89749767-T-C. GRCh37 (hg19) VCF-style: chr16-89816175-T-C.
Other names: c.3202A>G, p.Ser1068Gly (NM_001286167.3); short protein forms S1068G.
Identifiers: ClinVar variation 2764919 (VCV002764919.3), dbSNP rs2544129757, ClinGen allele CA397486496.

ClinVar aggregate classification (germline): Uncertain significance (1 of 4 stars; one submission).

Conditions:
Fanconi anemia (FA). Also called: Fanconi's anemia. Identifiers: Orphanet 84, MedGen C0015625, MeSH D005199, MONDO:0019391.

gnomAD v4.1: 1 of 1,614,212 alleles (0.000062%); highest among the groups gnomAD compares: Non-Finnish European, 0.000085%; no homozygotes.

Submission:

Labcorp Genetics (formerly Invitae), Labcorp
Classification: Uncertain significance for Fanconi anemia. Last evaluated: 2024-01-04. Review status: criteria provided, single submitter. Criteria: Invitae Variant Classification Sherloc (09022015). Collection method: clinical testing. Allele origin: germline.
Comment: This sequence change replaces serine, which is neutral and polar, with glycine, which is neutral and non-polar, at codon 1068 of the FANCA protein (p.Ser1068Gly). This variant is not present in population databases (gnomAD no frequency). This variant has not been reported in the literature in individuals affected with FANCA-related conditions. Advanced modeling of protein sequence and biophysical properties (such as structural, functional, and spatial information, amino acid conservation, physicochemical variation, residue mobility, and thermodynamic stability) performed at Invitae indicates that this missense variant is not expected to disrupt FANCA protein function with a negative predictive value of 80%. In summary, the available evidence is currently insufficient to determine the role of this variant in disease. Therefore, it has been classified as a Variant of Uncertain Significance.